The following is an entry in ClinVar:

NM_001127496.3(SPRY4):c.271T>C (p.Ser91Pro)

Gene: SPRY4 (sprouty RTK signaling antagonist 4; minus strand). Cytogenetic location: 5q31.3.
Variant type: single nucleotide variant.
Coding change: c.271T>C on transcript NM_001127496.3 (MANE Select); coding-DNA position 271, T replaced by C.
Protein change: p.Ser91Pro; replaces serine 91 with proline.
Molecular consequence: missense variant.
Genome position (GRCh38, 1-based): chr5:142,314,838, A>G on the plus strand (T>C on the coding strand, the complement: SPRY4 is on the minus strand). VCF-style: chr5-142314838-A-G. GRCh37 (hg19) VCF-style: chr5-141694403-A-G.
Other names: c.271T>C, p.Ser91Pro (NM_001293289.3, NM_001293290.3); c.340T>C, p.Ser114Pro (NM_030964.5); short protein forms S91P, S114P.
Identifiers: ClinVar variation 2850129 (VCV002850129.3), dbSNP rs1759085314, ClinGen allele CA361600830.

ClinVar aggregate classification (germline): Uncertain significance (1 of 4 stars; one submission).

Submission:

Labcorp Genetics (formerly Invitae), Labcorp
Classification: Uncertain significance. Last evaluated: 2023-11-27. Review status: criteria provided, single submitter. Criteria: Invitae Variant Classification Sherloc (09022015). Collection method: clinical testing. Allele origin: germline.
Comment: This sequence change replaces serine, which is neutral and polar, with proline, which is neutral and non-polar, at codon 114 of the SPRY4 protein (p.Ser114Pro). This variant is not present in population databases (gnomAD no frequency). This variant has not been reported in the literature in individuals affected with SPRY4-related conditions. An algorithm developed to predict the effect of missense changes on protein structure and function (PolyPhen-2) suggests that this variant is likely to be disruptive. In summary, the available evidence is currently insufficient to determine the role of this variant in disease. Therefore, it has been classified as a Variant of Uncertain Significance.